The following is an entry in ClinVar:

ClinVar aggregate classification (germline): Uncertain significance (1 of 4 stars; one submission).

Conditions:
3-methylcrotonyl-CoA carboxylase 2 deficiency. Also called: 3 alpha methylcrotonyl-CoA carboxylase 2 deficiency; 3 alpha methylcrotonylglycinuria 2; MCC 2 deficiency; Methylcrotonylglycinuria type 2; METHYLCROTONYLGLYCINURIA, TYPE II. Identifiers: Orphanet 6, MedGen C1859499, MONDO:0008862, OMIM 210210.

Allele frequency attached by ClinVar (database versions not stated): gnomAD 0.00001.
gnomAD v4.1: 3 of 1,613,312 alleles (0.00019%); highest among the groups gnomAD compares: African/African-American, 0.0027%; no homozygotes.

Submission:

Labcorp Genetics (formerly Invitae), Labcorp
Classification: Uncertain significance for 3-methylcrotonyl-CoA carboxylase 2 deficiency. Last evaluated: 2021-08-27. Review status: criteria provided, single submitter. Criteria: Invitae Variant Classification Sherloc (09022015). Collection method: clinical testing. Allele origin: germline.
Comment: This sequence change replaces threonine with serine at codon 385 of the MCCC2 protein (p.Thr385Ser). The threonine residue is weakly conserved and there is a small physicochemical difference between threonine and serine. This variant is not present in population databases (ExAC no frequency). This variant has not been reported in the literature in individuals affected with MCCC2-related conditions. Algorithms developed to predict the effect of missense changes on protein structure and function (SIFT, PolyPhen-2, Align-GVGD) all suggest that this variant is likely to be tolerated. In summary, the available evidence is currently insufficient to determine the role of this variant in disease. Therefore, it has been classified as a Variant of Uncertain Significance.

NM_022132.5(MCCC2):c.1154C>G (p.Thr385Ser)

Gene: MCCC2 (methylcrotonyl-CoA carboxylase subunit 2; plus strand). Cytogenetic location: 5q13.2.
Variant type: single nucleotide variant.
Coding change: c.1154C>G on transcript NM_022132.5 (MANE Select); coding-DNA position 1154, C replaced by G.
Protein change: p.Thr385Ser; replaces threonine 385 with serine.
Molecular consequence: missense variant.
Genome position (GRCh38, 1-based): chr5:71,646,215, C>G. VCF-style: chr5-71646215-C-G. GRCh37 (hg19) VCF-style: chr5-70942042-C-G.
Other names: c.1040C>G, p.Thr347Ser (NM_001363147.1); short protein forms T385S, T347S.
Identifiers: ClinVar variation 1404333 (VCV001404333.5), dbSNP rs1427630056, ClinGen allele CA359994065.